The following is an entry in ClinVar:

NM_001267550.2(TTN):c.75397G>T (p.Ala25133Ser)

Genes: TTN (titin; minus strand), TTN-AS1 (TTN antisense RNA 1; plus strand). Cytogenetic location: 2q31.2.
Variant type: single nucleotide variant.
Coding change: c.75397G>T on transcript NM_001267550.2 (MANE Select); coding-DNA position 75397, G replaced by T.
Protein change: p.Ala25133Ser; replaces alanine 25133 with serine.
Molecular consequence: missense variant.
Genome position (GRCh38, 1-based): chr2:178,570,735, C>A on the plus strand (G>T on the coding strand, the complement: TTN is on the minus strand). VCF-style: chr2-178570735-C-A. GRCh37 (hg19) VCF-style: chr2-179435462-C-A.
Other names: c.48202G>T, p.Ala16068Ser (NM_003319.4); c.67693G>T, p.Ala22565Ser (NM_133378.4); c.48577G>T, p.Ala16193Ser (NM_133432.3); c.48778G>T, p.Ala16260Ser (NM_133437.4); c.70474G>T, p.Ala23492Ser (NM_001256850.1); short protein forms A16068S, A16193S, A16260S, A22565S, A23492S, A25133S.
Identifiers: ClinVar variation 3896286 (VCV003896286.2).

ClinVar aggregate classification (germline): Uncertain significance (1 of 4 stars; one submission).

gnomAD v4.1: 1 of 1,613,554 alleles (0.000062%); highest among the groups gnomAD compares: Non-Finnish European, 0.000085%; no homozygotes.

Submission:

Women's Health and Genetics/Laboratory Corporation of America, LabCorp
Classification: Uncertain significance. Last evaluated: 2025-04-14. Review status: criteria provided, single submitter. Criteria: LabCorp Variant Classification Summary - May 2015. Collection method: clinical testing. Allele origin: germline.
Comment: Variant summary: TTN c.67693G>T (p.Ala22565Ser) results in a conservative amino acid change in the encoded protein sequence. Three of four in-silico tools predict a benign effect of the variant on protein function. The variant allele was found at a frequency of 4e-06 in 248528 control chromosomes (gnomAD). The available data on variant occurrences in the general population are insufficient to allow any conclusion about variant significance. To our knowledge, no occurrence of c.67693G>T in individuals affected with Autosomal Recessive Titinopathy and no experimental evidence demonstrating its impact on protein function have been reported. No submitters have cited clinical-significance assessments for this variant to ClinVar. Based on the evidence outlined above, the variant was classified as uncertain significance.